The following is an entry in ClinVar:

ClinVar aggregate classification (germline): Uncertain significance (1 of 4 stars; one submission).

Allele frequency attached by ClinVar (database versions not stated): gnomAD exomes below 0.00001.
gnomAD v4.1: 1 of 1,609,504 alleles (0.000062%); highest among the groups gnomAD compares: Non-Finnish European, 0.000085%; no homozygotes.

Submission:

Ambry Genetics
Classification: Uncertain significance. Last evaluated: 2024-05-04. Review status: criteria provided, single submitter. Criteria: Ambry Variant Classification Scheme 2023. Collection method: clinical testing. Allele origin: germline.
Comment: The p.A935S variant (also known as c.2803G>T), located in coding exon 14 of the NPAT gene, results from a G to T substitution at nucleotide position 2803. The alanine at codon 935 is replaced by serine, an amino acid with similar properties. This amino acid position is conserved. In addition, this alteration is predicted to be tolerated by in silico analysis. Since supporting evidence is limited at this time, the clinical significance of this alteration remains unclear.

NM_002519.3(NPAT):c.2803G>T (p.Ala935Ser)

Gene: NPAT (nuclear protein, coactivator of histone transcription; minus strand). Cytogenetic location: 11q22.3.
Variant type: single nucleotide variant.
Coding change: c.2803G>T on transcript NM_002519.3 (MANE Select); coding-DNA position 2803, G replaced by T.
Protein change: p.Ala935Ser; replaces alanine 935 with serine.
Molecular consequence: missense variant.
Genome position (GRCh38, 1-based): chr11:108,170,026, C>A on the plus strand (G>T on the coding strand, the complement: NPAT is on the minus strand). VCF-style: chr11-108170026-C-A. GRCh37 (hg19) VCF-style: chr11-108040753-C-A.
Other names: c.2803G>T, p.Ala935Ser (NM_001321307.1); short protein forms A935S.
Identifiers: ClinVar variation 1796242 (VCV001796242.3), dbSNP rs2496711520, ClinGen allele CA382512196.
Genomic context (GRCh38, chr11:108,170,026, plus strand): 5'-CAACCACAGATACTGGGATCATCCCTACCATTCCTTGGAGTACAGGCTGGACTGGAGAGG[C>A]AATTATTATGGCAGATCCTAAAAAAACAATTCTTGTTAAAAAAAGATTTTCTCTGAAATG-3'
Protein context (NP_002510.2, residues 925-945): NFSQGSAIII[Ala935Ser]SPVQPVLQGM